The following is an entry in ClinVar:

NM_004667.6(HERC2):c.6057G>C (p.Glu2019Asp)

Gene: HERC2 (HECT and RLD domain containing E3 ubiquitin protein ligase 2; minus strand). Cytogenetic location: 15q13.1.
Variant type: single nucleotide variant.
Coding change: c.6057G>C on transcript NM_004667.6 (MANE Select); coding-DNA position 6057, G replaced by C.
Protein change: p.Glu2019Asp; replaces glutamic acid 2019 with aspartic acid.
Molecular consequence: missense variant.
Genome position (GRCh38, 1-based): chr15:28,215,774, C>G on the plus strand (G>C on the coding strand, the complement: HERC2 is on the minus strand). VCF-style: chr15-28215774-C-G. GRCh37 (hg19) VCF-style: chr15-28460920-C-G.
Other names: short protein forms E2019D.
Identifiers: ClinVar variation 3906629 (VCV003906629.1).

ClinVar aggregate classification (germline): Uncertain significance (1 of 4 stars; one submission).

gnomAD v4.1: 4 of 1,611,706 alleles (0.00025%); highest among the groups gnomAD compares: Non-Finnish European, 0.00034%; no homozygotes.

Submission:

GeneDx
Classification: Uncertain significance. Last evaluated: 2024-12-17. Review status: criteria provided, single submitter. Criteria: GeneDx Variant Classification Process June 2021. Collection method: clinical testing. Allele origin: germline. Affected: yes.
Comment: Not observed at significant frequency in large population cohorts (gnomAD); In silico analysis indicates that this missense variant does not alter protein structure/function; Has not been previously published as pathogenic or benign to our knowledge